The following is an entry in ClinVar:

ClinVar aggregate classification (germline): Conflicting classifications of pathogenicity. Review status: criteria provided, conflicting classifications (1 of 4 stars). 2 submissions from 2 submitters: Likely pathogenic (1); Uncertain significance (1). Last evaluated 2023-07-14.

Conditions:
X-linked Alport syndrome (ATS1). Also called: COL4A5-Related Nephropathy; NEPHROPATHY AND DEAFNESS, X-LINKED. Identifiers: Orphanet 63, Orphanet 88917, MedGen C4746986, MONDO:0010520, OMIM 301050.

Submissions (2):

Labcorp Genetics (formerly Invitae), Labcorp
Classification: Uncertain significance. Last evaluated: 2023-07-14. Review status: criteria provided, single submitter. Criteria: Invitae Variant Classification Sherloc (09022015). Collection method: clinical testing. Allele origin: germline.
Comment: This sequence change replaces glycine, which is neutral and non-polar, with arginine, which is basic and polar, at codon 224 of the COL4A5 protein (p.Gly224Arg). This variant is not present in population databases (gnomAD no frequency). In summary, the available evidence is currently insufficient to determine the role of this variant in disease. Therefore, it has been classified as a Variant of Uncertain Significance. Advanced modeling of protein sequence and biophysical properties (such as structural, functional, and spatial information, amino acid conservation, physicochemical variation, residue mobility, and thermodynamic stability) performed at Invitae indicates that this missense variant is expected to disrupt COL4A5 protein function. ClinVar contains an entry for this variant (Variation ID: 1077044). This missense change has been observed in individual(s) with clinical features of COL4A5-related conditions (Invitae).

Precision Medicine Center, Zhengzhou University
Classification: Likely pathogenic for X-linked Alport syndrome. Review status: criteria provided, single submitter. Criteria: ACMG Guidelines, 2015. Collection method: research. Allele origin: germline. Affected: yes.
Comment: PM1:Located in a mutational hot spot PM2:not found in gnomAD PP2:Missense variant in a gene that has a low rate of benign missense variation and in which missense variants are a common mechanism of disease PP3:Multiple lines of computational evidence support a deleterious effect on the gene or gene product

NM_033380.3(COL4A5):c.670G>A (p.Gly224Arg)

Gene: COL4A5 (collagen type IV alpha 5 chain; plus strand). Cytogenetic location: Xq22.3.
Variant type: single nucleotide variant.
Coding change: c.670G>A on transcript NM_033380.3 (MANE Select); coding-DNA position 670, G replaced by A.
Protein change: p.Gly224Arg; replaces glycine 224 with arginine.
Molecular consequence: missense variant.
Genome position (GRCh38, 1-based): chrX:108,578,102, G>A. VCF-style: chrX-108578102-G-A. GRCh37 (hg19) VCF-style: chrX-107821332-G-A.
Other names: c.670G>A, p.Gly224Arg (NM_000495.5); short protein forms G224R.
Identifiers: ClinVar variation 1077044 (VCV001077044.4), dbSNP rs2147770608, ClinGen allele CA413923680.
Genomic context (GRCh38, chrX:108,578,102, plus strand): 5'-TCAGTGAGATTTTTAAATGGAAACTTCTCTCTCCAGGGGAATATGGGCTTAAATTTCCAG[G>A]GACCCAAAGGTGAAAAAGTGAGTAAAGAAAGAGAGCTGGTTATTCAGCCCTCAGCTTTCT-3'
Protein context (NP_203699.1, residues 214-234): PKGNMGLNFQ[Gly224Arg]PKGEKGEQGL